The following is an entry in ClinVar:

ClinVar aggregate classification (germline): Uncertain significance (1 of 4 stars; one submission).

Conditions:
Charcot-Marie-Tooth disease axonal type 2O. Also called: CHARCOT-MARIE-TOOTH NEUROPATHY, AXONAL, TYPE 2O; CHARCOT-MARIE-TOOTH DISEASE, AXONAL, AUTOSOMAL DOMINANT, TYPE 2O; Charcot-Marie-Tooth Neuropathy Type 2O; Charcot-Marie-Tooth disease, axonal, type 20. Identifiers: Orphanet 284232, MedGen C3280220, MONDO:0013644, OMIM 614228.

Submission:

Labcorp Genetics (formerly Invitae), Labcorp
Classification: Uncertain significance for Charcot-Marie-Tooth disease axonal type 2O. Last evaluated: 2023-02-16. Review status: criteria provided, single submitter. Criteria: Invitae Variant Classification Sherloc (09022015). Collection method: clinical testing. Allele origin: germline.
Comment: This sequence change replaces glycine, which is neutral and non-polar, with serine, which is neutral and polar, at codon 2456 of the DYNC1H1 protein (p.Gly2456Ser). This variant is not present in population databases (gnomAD no frequency). This variant has not been reported in the literature in individuals affected with DYNC1H1-related conditions. Advanced modeling of protein sequence and biophysical properties (such as structural, functional, and spatial information, amino acid conservation, physicochemical variation, residue mobility, and thermodynamic stability) performed at Invitae indicates that this missense variant is not expected to disrupt DYNC1H1 protein function. In summary, the available evidence is currently insufficient to determine the role of this variant in disease. Therefore, it has been classified as a Variant of Uncertain Significance.

NM_001376.5(DYNC1H1):c.7366G>A (p.Gly2456Ser)

Gene: DYNC1H1 (dynein cytoplasmic 1 heavy chain 1; plus strand). Cytogenetic location: 14q32.31.
Variant type: single nucleotide variant.
Coding change: c.7366G>A on transcript NM_001376.5 (MANE Select); coding-DNA position 7366, G replaced by A.
Protein change: p.Gly2456Ser; replaces glycine 2456 with serine.
Molecular consequence: missense variant.
Genome position (GRCh38, 1-based): chr14:102,015,979, G>A. VCF-style: chr14-102015979-G-A. GRCh37 (hg19) VCF-style: chr14-102482316-G-A.
Other names: short protein forms G2456S.
Identifiers: ClinVar variation 2837938 (VCV002837938.3), dbSNP rs2503768195, ClinGen allele CA391001965.